The following is an entry in ClinVar:

ClinVar aggregate classification (germline): Uncertain significance (1 of 4 stars; one submission).

gnomAD v4.1: 1 of 1,613,794 alleles (0.000062%); highest among the groups gnomAD compares: African/African-American, 0.0013%; no homozygotes.

Submission:

Ambry Genetics
Classification: Uncertain significance. Last evaluated: 2025-06-28. Review status: criteria provided, single submitter. Criteria: Ambry Variant Classification Scheme 2023. Collection method: clinical testing. Allele origin: germline.
Comment: The p.D408A variant (also known as c.1223A>C), located in coding exon 8 of the MYOM1 gene, results from an A to C substitution at nucleotide position 1223. The aspartic acid at codon 408 is replaced by alanine, an amino acid with dissimilar properties. This amino acid position is conserved. In addition, this alteration is predicted to be tolerated by in silico analysis. Based on the available evidence, the clinical significance of this variant remains unclear.

NM_003803.4(MYOM1):c.1223A>C (p.Asp408Ala)

Gene: MYOM1 (myomesin 1; minus strand). Cytogenetic location: 18p11.31.
Variant type: single nucleotide variant.
Coding change: c.1223A>C on transcript NM_003803.4 (MANE Select); coding-DNA position 1223, A replaced by C.
Protein change: p.Asp408Ala; replaces aspartic acid 408 with alanine.
Molecular consequence: missense variant.
Genome position (GRCh38, 1-based): chr18:3,168,933, T>G on the plus strand (A>C on the coding strand, the complement: MYOM1 is on the minus strand). VCF-style: chr18-3168933-T-G. GRCh37 (hg19) VCF-style: chr18-3168931-T-G.
Other names: c.1223A>C, p.Asp408Ala (NM_019856.2); short protein forms D408A.
Identifiers: ClinVar variation 4115969 (VCV004115969.1).